The following is an entry in ClinVar:

ClinVar aggregate classification (germline): Uncertain significance (1 of 4 stars; one submission).

Conditions:
Nance-Horan syndrome (NHS). Identifiers: Orphanet 627, MedGen C0796085, MONDO:0010545, OMIM 302350.

Submission:

Labcorp Genetics (formerly Invitae), Labcorp
Classification: Uncertain significance for Nance-Horan syndrome. Last evaluated: 2025-06-19. Review status: criteria provided, single submitter. Criteria: Invitae Variant Classification Sherloc (09022015). Collection method: clinical testing. Allele origin: germline.
Comment: This sequence change replaces methionine, which is neutral and non-polar, with threonine, which is neutral and polar, at codon 600 of the NHS protein (p.Met600Thr). This variant is not present in population databases (gnomAD no frequency). This variant has not been reported in the literature in individuals affected with NHS-related conditions. Invitae Evidence Modeling of protein sequence and biophysical properties (such as structural, functional, and spatial information, amino acid conservation, physicochemical variation, residue mobility, and thermodynamic stability) indicates that this missense variant is not expected to disrupt NHS protein function with a negative predictive value of 80%. In summary, the available evidence is currently insufficient to determine the role of this variant in disease. Therefore, it has been classified as a Variant of Uncertain Significance.

NM_001291867.2(NHS):c.1862T>C (p.Met621Thr)

Gene: NHS (NHS actin remodeling regulator; plus strand). Cytogenetic location: Xp22.13.
Variant type: single nucleotide variant.
Coding change: c.1862T>C on transcript NM_001291867.2 (MANE Select); coding-DNA position 1862, T replaced by C.
Protein change: p.Met621Thr; replaces methionine 621 with threonine.
Molecular consequence: missense variant.
Genome position (GRCh38, 1-based): chrX:17,725,968, T>C. VCF-style: chrX-17725968-T-C. GRCh37 (hg19) VCF-style: chrX-17744088-T-C.
Other names: c.1331T>C, p.Met444Thr (NM_001136024.4); c.1268T>C, p.Met423Thr (NM_001291868.2); c.1523T>C, p.Met508Thr (NM_001440780.1); c.1799T>C, p.Met600Thr (NM_198270.4); short protein forms M423T, M508T, M600T, M444T, M621T.
Identifiers: ClinVar variation 4745402 (VCV004745402.1).
Genomic context (GRCh38, chrX:17,725,968, plus strand): 5'-ACACGTTTGGGAGCCCCATCCACTGCATCTCCACGGCTGGCGTCCTCCTTAGCAGCCACA[T>C]GGACCAGAAAGATGACCACCAGTCATCCAGTGGCAACTGGAGTGGGAGCAGCTCCACGTG-3'
Protein context (NP_001278796.1, residues 611-631): STAGVLLSSH[Met621Thr]DQKDDHQSSS